The following is an entry in ClinVar:

ClinVar aggregate classification (germline): Uncertain significance. Review status: criteria provided, multiple submitters, no conflicts (2 of 4 stars). 2 submissions from 2 submitters: Uncertain significance (2). Last evaluated 2025-06-17.

Conditions:
Inborn genetic diseases. Identifiers: MedGen C0950123, MeSH D030342.
Hyperekplexia 2 (HKPX2). Identifiers: Orphanet 3197, MedGen C3553291, MONDO:0013828, OMIM 614619.

Allele frequency attached by ClinVar (database versions not stated): gnomAD 0.00001; TOPMed 0.00001; gnomAD exomes 0.00002; ExAC 0.00006; 1000 Genomes Project 30x 0.00016; 1000 Genomes Project 0.00020.
gnomAD v4.1: 33 of 1,614,030 alleles (0.002%); highest among the groups gnomAD compares: South Asian, 0.027%; no homozygotes.

Submissions (2):

Ambry Genetics
Classification: Uncertain significance for Inborn genetic diseases. Last evaluated: 2025-06-17. Review status: criteria provided, single submitter. Criteria: Ambry Variant Classification Scheme 2023. Collection method: clinical testing. Allele origin: germline.

Labcorp Genetics (formerly Invitae), Labcorp
Classification: Uncertain significance for Hyperekplexia 2. Last evaluated: 2022-02-19. Review status: criteria provided, single submitter. Criteria: Invitae Variant Classification Sherloc (09022015). Collection method: clinical testing. Allele origin: germline.
Comment: This sequence change replaces asparagine, which is neutral and polar, with serine, which is neutral and polar, at codon 356 of the GLRB protein (p.Asn356Ser). This variant is present in population databases (rs543764621, gnomAD 0.04%). This variant has not been reported in the literature in individuals affected with GLRB-related conditions. Advanced modeling of protein sequence and biophysical properties (such as structural, functional, and spatial information, amino acid conservation, physicochemical variation, residue mobility, and thermodynamic stability) performed at Invitae indicates that this missense variant is not expected to disrupt GLRB protein function. In summary, the available evidence is currently insufficient to determine the role of this variant in disease. Therefore, it has been classified as a Variant of Uncertain Significance.

NM_000824.5(GLRB):c.1067A>G (p.Asn356Ser)

Gene: GLRB (glycine receptor beta; plus strand). Cytogenetic location: 4q32.1.
Variant type: single nucleotide variant.
Coding change: c.1067A>G on transcript NM_000824.5 (MANE Select); coding-DNA position 1067, A replaced by G.
Protein change: p.Asn356Ser; replaces asparagine 356 with serine.
Molecular consequence: missense variant. On other transcripts: intron variant (1).
Genome position (GRCh38, 1-based): chr4:157,152,880, A>G. VCF-style: chr4-157152880-A-G. GRCh37 (hg19) VCF-style: chr4-158074032-A-G.
Other names: c.1067A>G, p.Asn356Ser (NM_001166060.2); c.904+8921A>G (NM_001166061.2); c.1067A>G (NM_000824.4); short protein forms N356S.
Identifiers: ClinVar variation 1982882 (VCV001982882.4), dbSNP rs543764621, ClinGen allele CA3119935.